The following is an entry in ClinVar:

ClinVar aggregate classification (germline): Conflicting classifications of pathogenicity. Review status: criteria provided, conflicting classifications (1 of 4 stars). 11 submissions from 11 submitters: Uncertain significance (4); Likely benign (6). 1 of the submissions does not count toward it. Last evaluated 2026-07-01.

Conditions:
Inborn genetic diseases. Identifiers: MedGen C0950123, MeSH D030342.
Nemaline myopathy 2 (NEM2). Also called: Nemaline myopathy 2, autosomal recessive. Identifiers: MedGen C1850569, MONDO:0009725, OMIM 256030.

Allele frequency attached by ClinVar (database versions not stated): 1000 Genomes Project 0.00060; 1000 Genomes Project 30x 0.00094; TOPMed 0.00122; gnomAD exomes 0.00142 and 0.00146; ExAC 0.00144; ESP Exome Variant Server 0.00185.
gnomAD v4.1: 2,340 of 1,613,870 alleles (0.14%); highest among the groups gnomAD compares: Middle Eastern, 0.46%; 2 homozygotes.

Submissions (11):

CeGaT Center for Human Genetics Tuebingen
Classification: Likely benign. Last evaluated: 2026-07-01. Review status: criteria provided, single submitter. Criteria: CeGaT Center For Human Genetics Tuebingen Variant Classification Criteria Version 2. Collection method: clinical testing. Allele origin: germline. Affected: yes. Observed: 7 variant alleles.
Comment: NEB: BP4

Labcorp Genetics (formerly Invitae), Labcorp
Classification: Likely benign for Nemaline myopathy 2. Last evaluated: 2026-02-01. Review status: criteria provided, single submitter. Criteria: Invitae Variant Classification Sherloc (09022015). Collection method: clinical testing. Allele origin: germline.

Blueprint Genetics
Classification: Likely benign. Last evaluated: 2024-11-26. Review status: criteria provided, single submitter. Criteria: ACMG Guidelines, 2015. Collection method: clinical testing. Allele origin: germline.

Ambry Genetics
Classification: Uncertain significance for Inborn genetic diseases. Last evaluated: 2021-10-26. Review status: criteria provided, single submitter. Criteria: Ambry Variant Classification Scheme 2023. Collection method: clinical testing. Allele origin: germline.

Athena Diagnostics
Classification: Likely benign. Last evaluated: 2020-09-28. Review status: criteria provided, single submitter. Criteria: Athena Diagnostics criteria. Collection method: clinical testing. Allele origin: unknown.

GeneDx
Classification: Likely benign. Last evaluated: 2020-02-06. Review status: criteria provided, single submitter. Criteria: GeneDx Variant Classification Process June 2021. Collection method: clinical testing. Allele origin: germline. Affected: yes.
Comment: This variant is associated with the following publications: (PMID: 25203624)

Mayo Clinic Laboratories, Mayo Clinic
Classification: Uncertain significance. Last evaluated: 2019-07-28. Review status: criteria provided, single submitter. Criteria: ACMG Guidelines, 2015. Collection method: clinical testing. Allele origin: germline. Observed: 3 variant alleles.

Illumina Laboratory Services, Illumina
Classification: Uncertain significance for Nemaline myopathy 2. Last evaluated: 2018-01-12. Review status: criteria provided, single submitter. Criteria: ICSL Variant Classification Criteria 13 December 2019. Collection method: clinical testing. Allele origin: germline.

Eurofins Ntd Llc (ga)
Classification: Uncertain significance. Last evaluated: 2015-06-16. Review status: criteria provided, single submitter. Criteria: EGL Classification Definitions 2015. Collection method: clinical testing. Allele origin: germline. Observed: 2 variant alleles, 2 heterozygotes.

PreventionGenetics, part of Exact Sciences
Classification: Likely benign. Review status: criteria provided, single submitter. Criteria: ACMG Guidelines, 2015. Collection method: clinical testing. Allele origin: germline.

Natera, Inc.
Classification: Likely benign for Nemaline myopathy type 2. Last evaluated: 2019-11-11. Review status: no assertion criteria provided. Collection method: clinical testing. Allele origin: germline. Not counted in ClinVar's aggregate classification.

NM_001164508.2(NEB):c.7126G>C (p.Val2376Leu)

Gene: NEB (nebulin; minus strand). Cytogenetic location: 2q23.3.
Variant type: single nucleotide variant.
Coding change: c.7126G>C on transcript NM_001164508.2 (MANE Select); coding-DNA position 7126, G replaced by C.
Protein change: p.Val2376Leu; replaces valine 2376 with leucine.
Molecular consequence: missense variant.
Genome position (GRCh38, 1-based): chr2:151,650,675, C>G on the plus strand (G>C on the coding strand, the complement: NEB is on the minus strand). VCF-style: chr2-151650675-C-G. GRCh37 (hg19) VCF-style: chr2-152507189-C-G.
Other names: c.7126G>C, p.Val2376Leu (NM_001164507.2, NM_001271208.2, NM_004543.5); short protein forms V2376L.
Identifiers: ClinVar variation 257829 (VCV000257829.55), dbSNP rs141155976, ClinGen allele CA1909929.